The following is an entry in ClinVar:

NM_032043.3(BRIP1):c.340C>G (p.Pro114Ala)

Gene: BRIP1 (BRCA1 interacting DNA helicase 1; minus strand). Cytogenetic location: 17q23.2.
Variant type: single nucleotide variant.
Coding change: c.340C>G on transcript NM_032043.3 (MANE Select); coding-DNA position 340, C replaced by G.
Protein change: p.Pro114Ala; replaces proline 114 with alanine.
Molecular consequence: missense variant.
Genome position (GRCh38, 1-based): chr17:61,857,097, G>C on the plus strand (C>G on the coding strand, the complement: BRIP1 is on the minus strand). VCF-style: chr17-61857097-G-C. GRCh37 (hg19) VCF-style: chr17-59934458-G-C.
Other names: short protein forms P114A.
Identifiers: ClinVar variation 1712757 (VCV001712757.2), dbSNP rs2145827137, ClinGen allele CA400485334.

ClinVar aggregate classification (germline): Uncertain significance (1 of 4 stars; one submission).

Submission:

GeneDx
Classification: Uncertain significance. Last evaluated: 2022-04-25. Review status: criteria provided, single submitter. Criteria: GeneDx Variant Classification Process June 2021. Collection method: clinical testing. Allele origin: germline. Affected: yes.
Comment: Not observed at significant frequency in large population cohorts (gnomAD); In silico analysis supports that this missense variant does not alter protein structure/function; Has not been previously published as pathogenic or benign to our knowledge